The following is an entry in ClinVar:

ClinVar aggregate classification (germline): Uncertain significance (1 of 4 stars; one submission).

gnomAD v4.1: 2 of 1,614,048 alleles (0.00012%); highest among the groups gnomAD compares: African/African-American, 0.0027%; no homozygotes.

Submission:

Labcorp Genetics (formerly Invitae), Labcorp
Classification: Uncertain significance. Last evaluated: 2025-07-28. Review status: criteria provided, single submitter. Criteria: Invitae Variant Classification Sherloc (09022015). Collection method: clinical testing. Allele origin: germline.
Comment: This sequence change replaces aspartic acid, which is acidic and polar, with glutamic acid, which is acidic and polar, at codon 401 of the AASS protein (p.Asp401Glu). This variant is not present in population databases (gnomAD no frequency). This variant has not been reported in the literature in individuals affected with AASS-related conditions. Invitae Evidence Modeling of protein sequence and biophysical properties (such as structural, functional, and spatial information, amino acid conservation, physicochemical variation, residue mobility, and thermodynamic stability) has been performed for this missense variant. However, the output from this modeling did not meet the statistical confidence thresholds required to predict the impact of this variant on AASS protein function. In summary, the available evidence is currently insufficient to determine the role of this variant in disease. Therefore, it has been classified as a Variant of Uncertain Significance.

NM_005763.4(AASS):c.1203C>A (p.Asp401Glu)

Gene: AASS (aminoadipate-semialdehyde synthase; minus strand). Cytogenetic location: 7q31.32.
Variant type: single nucleotide variant.
Coding change: c.1203C>A on transcript NM_005763.4 (MANE Select); coding-DNA position 1203, C replaced by A.
Protein change: p.Asp401Glu; replaces aspartic acid 401 with glutamic acid.
Molecular consequence: missense variant.
Genome position (GRCh38, 1-based): chr7:122,113,193, G>T on the plus strand (C>A on the coding strand, the complement: AASS is on the minus strand). VCF-style: chr7-122113193-G-T. GRCh37 (hg19) VCF-style: chr7-121753247-G-T.
Other names: short protein forms D401E.
Identifiers: ClinVar variation 4805975 (VCV004805975.1).
Genomic context (GRCh38, chr7:122,113,193, plus strand): 5'-AGGGTAAAGCATGTCTCCAAAGCATTCTGTAGCTTCAATTGGGAGCTGTGCCGGCAAATT[G>T]TCAATGGAACACATCAGGATCCCCGAGCCTTCAACACTAAAAGCAGCAATGTGGTTTATT-3'
Protein context (NP_005754.2, residues 391-411): EGSGILMCSI[Asp401Glu]NLPAQLPIEA